The following is an entry in ClinVar:

NM_000080.4(CHRNE):c.539T>C (p.Phe180Ser)

Genes: C17orf107 (chromosome 17 open reading frame 107; plus strand), CHRNE (cholinergic receptor nicotinic epsilon subunit; minus strand). Cytogenetic location: 17p13.2.
Variant type: single nucleotide variant.
Coding change: c.539T>C on transcript NM_000080.4 (MANE Select); coding-DNA position 539, T replaced by C.
Protein change: p.Phe180Ser; replaces phenylalanine 180 with serine.
Molecular consequence: missense variant. On other transcripts: 3 prime UTR variant (1).
Genome position (GRCh38, 1-based): chr17:4,901,587, A>G on the plus strand (T>C on the coding strand, the complement: CHRNE is on the minus strand). VCF-style: chr17-4901587-A-G. GRCh37 (hg19) VCF-style: chr17-4804882-A-G.
Other names: c.*1054A>G (NM_001145536.2); short protein forms F180S.
Identifiers: ClinVar variation 3719642 (VCV003719642.2).
Genomic context (GRCh38, chr17:4,901,587, plus strand): 5'-GTATAGGCCTCTGTGTCGATGTCGATCTTGTTGATGGTCTTGCCGTCGTTGTCTACGGCA[A>G]AAGTGAACTCCACCTCTTCGGCATTGTACGTCTGAGAGCTGCGGAGCCAGGGCCGGGAGC-3'
Protein context (NP_000071.1, residues 170-190): TYNAEEVEFT[Phe180Ser]AVDNDGKTIN

ClinVar aggregate classification (germline): Uncertain significance (1 of 4 stars; one submission).

Conditions:
Congenital myasthenic syndrome 4A. Also called: Myasthenic syndrome, congenital, 4a, slow-channel; CONGENITAL MYASTHENIC SYNDROME TYPE Ia1; MYASTHENIC SYNDROME, CONGENITAL, 4A, SLOW-CHANNEL, AUTOSOMAL RECESSIVE. Identifiers: Orphanet 590, MedGen C4225413, MONDO:0011600, OMIM 605809.

Submission:

Labcorp Genetics (formerly Invitae), Labcorp
Classification: Uncertain significance for Congenital myasthenic syndrome 4A. Last evaluated: 2025-06-17. Review status: criteria provided, single submitter. Criteria: Invitae Variant Classification Sherloc (09022015). Collection method: clinical testing. Allele origin: germline.
Comment: This sequence change replaces phenylalanine, which is neutral and non-polar, with serine, which is neutral and polar, at codon 180 of the CHRNE protein (p.Phe180Ser). This variant is not present in population databases (gnomAD no frequency). This variant has not been reported in the literature in individuals affected with CHRNE-related conditions. ClinVar contains an entry for this variant (Variation ID: 3719642). Invitae Evidence Modeling of protein sequence and biophysical properties (such as structural, functional, and spatial information, amino acid conservation, physicochemical variation, residue mobility, and thermodynamic stability) indicates that this missense variant is not expected to disrupt CHRNE protein function with a negative predictive value of 80%. In summary, the available evidence is currently insufficient to determine the role of this variant in disease. Therefore, it has been classified as a Variant of Uncertain Significance.